The following is an entry in ClinVar:

NM_014249.4(NR2E3):c.476G>T (p.Gly159Val)

Gene: NR2E3 (nuclear receptor subfamily 2 group E member 3; plus strand). Cytogenetic location: 15q23.
Variant type: single nucleotide variant.
Coding change: c.476G>T on transcript NM_014249.4 (MANE Select); coding-DNA position 476, G replaced by T.
Protein change: p.Gly159Val; replaces glycine 159 with valine.
Molecular consequence: missense variant.
Genome position (GRCh38, 1-based): chr15:71,812,081, G>T. VCF-style: chr15-71812081-G-T. GRCh37 (hg19) VCF-style: chr15-72104421-G-T.
Other names: c.476G>T, p.Gly159Val (NM_016346.4); c.476G>T (NM_014249.3); short protein forms G159V.
Identifiers: ClinVar variation 1971749 (VCV001971749.6), dbSNP rs916679051, ClinGen allele CA272575171.

ClinVar aggregate classification (germline): Uncertain significance. Review status: criteria provided, single submitter (1 of 4 stars). 2 submissions from 2 submitters: Uncertain significance (1). 1 of the submissions does not count toward it. Last evaluated 2025-03-18.

Conditions:
Enhanced S-cone syndrome (ESCS). Identifiers: Orphanet 53540, MedGen C1849394, MONDO:0100288, MONDO:0009989.

Allele frequency attached by ClinVar (database versions not stated): gnomAD exomes below 0.00001.

Submissions (2):

Labcorp Genetics (formerly Invitae), Labcorp
Classification: Uncertain significance. Last evaluated: 2025-03-18. Review status: criteria provided, single submitter. Criteria: Invitae Variant Classification Sherloc (09022015). Collection method: clinical testing. Allele origin: germline.
Comment: This sequence change replaces glycine, which is neutral and non-polar, with valine, which is neutral and non-polar, at codon 159 of the NR2E3 protein (p.Gly159Val). This variant is present in population databases (no rsID available, gnomAD 0.002%). This variant has not been reported in the literature in individuals affected with NR2E3-related conditions. ClinVar contains an entry for this variant (Variation ID: 1971749). Invitae Evidence Modeling of protein sequence and biophysical properties (such as structural, functional, and spatial information, amino acid conservation, physicochemical variation, residue mobility, and thermodynamic stability) indicates that this missense variant is not expected to disrupt NR2E3 protein function with a negative predictive value of 95%. In summary, the available evidence is currently insufficient to determine the role of this variant in disease. Therefore, it has been classified as a Variant of Uncertain Significance.

Natera, Inc.
Classification: Uncertain significance for Enhanced S cone syndrome. Last evaluated: 2025-01-28. Review status: no assertion criteria provided. Collection method: clinical testing. Allele origin: germline. Not counted in ClinVar's aggregate classification.